The following is an entry in ClinVar:

NM_001005373.4(LRSAM1):c.448C>T (p.Arg150Ter)

Gene: LRSAM1 (leucine rich repeat and sterile alpha motif containing 1; plus strand). Cytogenetic location: 9q33.3.
Variant type: single nucleotide variant.
Coding change: c.448C>T on transcript NM_001005373.4 (MANE Select); coding-DNA position 448, C replaced by T.
Protein change: p.Arg150Ter; replaces arginine 150 with a stop codon.
Molecular consequence: nonsense. On other transcripts: 5 prime UTR variant (1), non-coding transcript variant (2).
Genome position (GRCh38, 1-based): chr9:127,462,293, C>T. VCF-style: chr9-127462293-C-T. GRCh37 (hg19) VCF-style: chr9-130224572-C-T.
Other names: c.448C>T, p.Arg150Ter (NM_001005374.4, NM_001190723.3, NM_001384142.1 and 2 more transcripts); c.-337C>T (NM_001384144.1); short protein forms R150*.
Identifiers: ClinVar variation 2197010 (VCV002197010.7), dbSNP rs749850642, ClinGen allele CA5246554.

ClinVar aggregate classification (germline): Conflicting classifications of pathogenicity. Review status: criteria provided, conflicting classifications (1 of 4 stars). 4 submissions from 4 submitters: Pathogenic (1); Likely pathogenic (2); Uncertain significance (1). Last evaluated 2025-03-09.

Conditions:
LRSAM1-related disorder. Also called: LRSAM1-related condition.
Charcot-Marie-Tooth disease axonal type 2P. Also called: Charcot-Marie-Tooth Neuropathy Type 2G; CHARCOT-MARIE-TOOTH NEUROPATHY, TYPE 2P; CHARCOT-MARIE-TOOTH DISEASE, AXONAL, TYPE 2G; CMT 2G. Identifiers: Orphanet 300319, Orphanet 99941, MedGen C3280797, MONDO:0013753, OMIM 614436.

Allele frequency attached by ClinVar (database versions not stated): ExAC 0.00002; gnomAD 0.00002; TOPMed 0.00003; gnomAD exomes 0.00004.

Submissions (4):

Labcorp Genetics (formerly Invitae), Labcorp
Classification: Pathogenic for Charcot-Marie-Tooth disease axonal type 2P. Last evaluated: 2025-03-09. Review status: criteria provided, single submitter. Criteria: Invitae Variant Classification Sherloc (09022015). Collection method: clinical testing. Allele origin: germline.
Comment: This sequence change creates a premature translational stop signal (p.Arg150*) in the LRSAM1 gene. It is expected to result in an absent or disrupted protein product. Loss-of-function variants in LRSAM1 are known to be pathogenic (PMID: 20865121, 33414056). This variant is present in population databases (rs749850642, gnomAD 0.003%). This variant has not been reported in the literature in individuals affected with LRSAM1-related conditions. ClinVar contains an entry for this variant (Variation ID: 2197010). For these reasons, this variant has been classified as Pathogenic.

GeneDx
Classification: Uncertain significance. Last evaluated: 2024-04-16. Review status: criteria provided, single submitter. Criteria: GeneDx Variant Classification Process June 2021. Collection method: clinical testing. Allele origin: germline. Affected: yes.
Comment: Not observed at significant frequency in large population cohorts (gnomAD); Nonsense variant predicted to result in protein truncation or nonsense mediated decay in a gene or region of a gene for which loss of function is not a known mechanism of disease; Has not been previously published as pathogenic or benign to our knowledge

Department of Pathology and Laboratory Medicine, Sinai Health System
Classification: Likely pathogenic for Charcot-Marie-Tooth disease axonal type 2P. Last evaluated: 2023-07-11. Review status: criteria provided, single submitter. Criteria: ACMG Guidelines, 2015. Collection method: research. Allele origin: germline.

PreventionGenetics, part of Exact Sciences
Classification: Likely pathogenic for LRSAM1-related condition. Last evaluated: 2023-03-13. Review status: criteria provided, single submitter. Criteria: ACMG Guidelines, 2015. Collection method: clinical testing. Allele origin: germline.
Comment: The LRSAM1 c.448C>T variant is predicted to result in premature protein termination (p.Arg150*). To our knowledge this variant has not been reported in the literature. This variant is reported in 0.0026% of alleles in individuals of European (Non-Finnish) descent in gnomAD. Nonsense variants in LRSAM1 are expected to be pathogenic. This variant is interpreted as likely pathogenic.

Literature cited by the submitters: PubMed 20865121 (cited by Labcorp Genetics (formerly Invitae), Labcorp); PubMed 33414056 (cited by Labcorp Genetics (formerly Invitae), Labcorp).